The following is an entry in ClinVar:

NM_001048174.2(MUTYH):c.420+2T>C

Gene: MUTYH (mutY DNA glycosylase; minus strand). Cytogenetic location: 1p34.1.
Variant type: single nucleotide variant.
Coding change: c.420+2T>C on transcript NM_001048174.2 (MANE Select); the canonical splice donor site of the intron after coding-DNA position 420, T replaced by C.
Molecular consequence: splice donor variant. On other transcripts: intron variant (4).
Genome position (GRCh38, 1-based): chr1:45,332,916, A>G on the plus strand (T>C on the coding strand, the complement: MUTYH is on the minus strand). VCF-style: chr1-45332916-A-G. GRCh37 (hg19) VCF-style: chr1-45798588-A-G.
Other names: c.75+2T>C (NM_001350651.2, NM_001350650.2, NM_001407082.1); c.144+2T>C (NM_001293192.2, NM_001293196.2, NM_001407091.1); c.421-82T>C (NM_001407073.1); c.420+2T>C (NM_001048171.2, NM_001407070.1, NM_001048173.2 and 5 more transcripts); c.465+2T>C (NM_001293190.2); c.454-82T>C (NM_001407069.1); c.495+2T>C (NM_012222.3); c.504+2T>C (NM_001128425.2); and 7 more.
Identifiers: ClinVar variation 142805 (VCV000142805.17), dbSNP rs587782730, ClinGen allele CA013687.

ClinVar aggregate classification (germline): Pathogenic/Likely pathogenic. Review status: criteria provided, multiple submitters, no conflicts (2 of 4 stars). 4 submissions from 4 submitters: Pathogenic (1); Likely pathogenic (3). Last evaluated 2025-05-05.

Conditions:
Hereditary cancer-predisposing syndrome. Also called: Neoplastic Syndromes, Hereditary; Hereditary Cancer Syndrome; Tumor predisposition; Hereditary neoplastic syndrome. Identifiers: Orphanet 140162, MedGen C0027672, MeSH D009386, MONDO:0015356.
Familial adenomatous polyposis 2. Also called: MUTYH-associated polyposis; MUTYH Polyposis; FAP type 2; Adenomas, multiple colorectal; COLORECTAL ADENOMATOUS POLYPOSIS, AUTOSOMAL RECESSIVE; ADENOMAS, MULTIPLE COLORECTAL, AUTOSOMAL RECESSIVE. Identifiers: Orphanet 220460, Orphanet 247798, MedGen C3272841, MONDO:0012041, OMIM 608456.

Allele frequency attached by ClinVar (database versions not stated): gnomAD exomes below 0.00001; ExAC 0.00001.
gnomAD v4.1: 1 of 1,614,044 alleles (0.000062%); highest among the groups gnomAD compares: Non-Finnish European, 0.000085%; no homozygotes.

Submissions (4):

Ambry Genetics
Classification: Pathogenic for Hereditary cancer-predisposing syndrome. Last evaluated: 2025-05-05. Review status: criteria provided, single submitter. Criteria: Ambry Variant Classification Scheme 2023. Collection method: clinical testing. Allele origin: germline.
Comment: The c.504+2T>C intronic pathogenic mutation results from a T to C substitution two nucleotides after coding exon 6 in the MUTYH gene. In silico splice site analysis predicts that this alteration will weaken the native splice donor site. RNA studies have demonstrated that this alteration results in abnormal splicing in the set of samples tested (Ambry internal data). The resulting transcript is predicted to be in-frame and is not expected to trigger nonsense-mediated mRNA decay. The exact functional effect of the missing amino acids is unknown; however, the impacted region is critical for protein function (Ambry internal data; Luncsford PJ et al. J. Mol. Biol., 2010 Oct;403:351-70). Based on the supporting evidence, this alteration is interpreted as a disease-causing mutation.

Color Diagnostics, LLC DBA Color Health
Classification: Likely pathogenic for Hereditary cancer-predisposing syndrome. Last evaluated: 2024-04-16. Review status: criteria provided, single submitter. Criteria: ACMG Guidelines, 2015. Collection method: clinical testing. Allele origin: germline.
Comment: This variant causes a T to C nucleotide substitution at the +2 position of intron 6 of the MUTYH gene. Splice site prediction tools predict that this variant may have a significant impact on RNA splicing. This variant is likely to cause in-frame skipping of exon 6 resulting in the absence of 14 amino acids. A pathogenic missense variants has been reported in this exon (ClinVar Variation ID: 185653), indicating that this region may be functionally and clinically important. Although functional studies have not been reported, this variant is expected to result in a disrupted protein product and impair MUTYH function. This variant has not been reported in individuals affected with MUTYH-related disorders in the literature. This variant has been identified in 1/250588 chromosomes in the general population by the Genome Aggregation Database (gnomAD). Loss of MUTYH function is a known mechanism of disease. Based on the available evidence, this variant is classified as Likely Pathogenic.

Labcorp Genetics (formerly Invitae), Labcorp
Classification: Likely pathogenic for Familial adenomatous polyposis 2. Last evaluated: 2024-01-25. Review status: criteria provided, single submitter. Criteria: Invitae Variant Classification Sherloc (09022015). Collection method: clinical testing. Allele origin: germline.
Comment: This sequence change affects a donor splice site in intron 6 of the MUTYH gene. It is expected to disrupt RNA splicing. Variants that disrupt the donor or acceptor splice site typically lead to a loss of protein function (PMID: 16199547), and loss-of-function variants in MUTYH are known to be pathogenic (PMID: 18534194, 20663686). This variant is present in population databases (rs587782730, gnomAD 0.0009%). This variant has not been reported in the literature in individuals affected with MUTYH-related conditions. ClinVar contains an entry for this variant (Variation ID: 142805). Algorithms developed to predict the effect of sequence changes on RNA splicing suggest that this variant may disrupt the consensus splice site. In summary, the currently available evidence indicates that the variant is pathogenic, but additional data are needed to prove that conclusively. Therefore, this variant has been classified as Likely Pathogenic.

Division of Medical Genetics, University of Washington
Classification: Likely pathogenic for Familial adenomatous polyposis 2. Last evaluated: 2019-09-10. Review status: criteria provided, single submitter. Criteria: ACMG Guidelines, 2015. Collection method: clinical testing. Allele origin: germline. Affected: no. Study: CSER_CHARM.
Comment: This variant is predicted to lead to either nonsense-mediated mRNA decay or an abnormal protein product by affecting a splice donor site. Loss-of-function variants in MUTYH are known to be pathogenic (Ali 2008, Nielsen 2011). This variant has an overall allele frequency of 0.000004 in the Broad Institute gnomAD Browser. To our knowledge, this variant has not been previously reported in the literature. Thus, this variant is interpreted as likely pathogenic.

Literature cited by the submitters: PubMed 20816984 (cited by Ambry Genetics); PubMed 16199547 (cited by Labcorp Genetics (formerly Invitae), Labcorp); PubMed 18534194 (cited by Labcorp Genetics (formerly Invitae), Labcorp); PubMed 20663686 (cited by Labcorp Genetics (formerly Invitae), Labcorp).